The following is an entry in ClinVar:

NM_018972.4(GDAP1):c.164A>G (p.Asp55Gly)

Gene: GDAP1 (ganglioside induced differentiation associated protein 1; plus strand). Cytogenetic location: 8q21.11.
Variant type: single nucleotide variant.
Coding change: c.164A>G on transcript NM_018972.4 (MANE Select); coding-DNA position 164, A replaced by G.
Protein change: p.Asp55Gly; replaces aspartic acid 55 with glycine.
Molecular consequence: missense variant. On other transcripts: 5 prime UTR variant (2), intron variant (1).
Genome position (GRCh38, 1-based): chr8:74,351,320, A>G. VCF-style: chr8-74351320-A-G. GRCh37 (hg19) VCF-style: chr8-75263555-A-G.
Other names: c.-41A>G (NM_001040875.4); c.-19A>G (NM_001362929.2); c.164A>G, p.Asp55Gly (NM_001362930.2, NM_001362931.2); c.-18+742A>G (NM_001362932.2); short protein forms D55G.
Identifiers: ClinVar variation 4262723 (VCV004262723.2).

ClinVar aggregate classification (germline): Uncertain significance. Review status: criteria provided, multiple submitters, no conflicts (2 of 4 stars). 2 submissions from 2 submitters: Uncertain significance (2). Last evaluated 2026-04-20.

Conditions:
Inborn genetic diseases. Identifiers: MedGen C0950123, MeSH D030342.

Submissions (2):

Women's Health and Genetics/Laboratory Corporation of America, LabCorp
Classification: Uncertain significance. Last evaluated: 2026-04-20. Review status: criteria provided, single submitter. Criteria: LabCorp Variant Classification Summary - May 2015. Collection method: clinical testing. Allele origin: germline.
Comment: Variant summary: GDAP1 c.164A>G (p.Asp55Gly) results in a non-conservative amino acid change in the encoded protein sequence. Algorithms developed to predict the effect of missense changes on protein structure and function are either unavailable or do not agree on the potential impact of this missense change. The variant was absent in 251496 control chromosomes. The available data on variant occurrences in the general population are insufficient to allow any conclusion about variant significance. To our knowledge, no occurrence of c.164A>G in individuals affected with GDAP1-related conditions and no experimental evidence demonstrating its impact on protein function have been reported. ClinVar contains an entry for this variant (Variation ID: 4262723). Based on the evidence outlined above, the variant was classified as uncertain significance.

Ambry Genetics
Classification: Uncertain significance for Inborn genetic diseases. Last evaluated: 2025-08-04. Review status: criteria provided, single submitter. Criteria: Ambry Variant Classification Scheme 2023. Collection method: clinical testing. Allele origin: germline.